The following continues an entry in ClinVar:

NM_000153.4(GALC):c.1586C>T (p.Thr529Met)

Gene: GALC. ClinVar aggregate classification (germline): Pathogenic/Likely pathogenic. Pathogenic (18); Likely pathogenic (1).

Submissions 14 to 23 of 23:

Myriad Genetics, Inc.
Classification: Likely pathogenic for Galactosylceramide beta-galactosidase deficiency. Last evaluated: 2019-12-09. Review status: criteria provided, single submitter. Criteria: Myriad Women's Health Autosomal Recessive and X-Linked Classification Criteria (2019). Collection method: clinical testing. Allele origin: unknown.
Comment: NM_000153.3(GALC):c.1586C>T(T529M, aka T513M) is classified as likely pathogenic in the context of Krabbe disease. Sources cited for classification include the following: PMID 23197103, 21824559, 9266397, 9338580, 20886637 and 23128445. Classification of NM_000153.3(GALC):c.1586C>T(T529M, aka T513M) is based on the following criteria: This variant has been observed more frequently in patients with clinical diagnoses than in healthy populations. Please note: this variant was assessed in the context of healthy population screening.

Clinical Genetics and Genomics, Karolinska University Hospital
Classification: Pathogenic. Last evaluated: 2019-10-30. Review status: criteria provided, single submitter. Criteria: ACMG Guidelines, 2015. Collection method: clinical testing. Allele origin: germline. Affected: yes. Observed: 1 variant allele.

Fulgent Genetics
Classification: Pathogenic for Galactosylceramide beta-galactosidase deficiency. Last evaluated: 2018-10-31. Review status: criteria provided, single submitter. Criteria: ACMG Guidelines, 2015. Collection method: clinical testing. Allele origin: unknown.

Women's Health and Genetics/Laboratory Corporation of America, LabCorp
Classification: Pathogenic for Galactosylceramide beta-galactosidase deficiency. Last evaluated: 2016-01-18. Review status: criteria provided, single submitter. Criteria: LabCorp Variant Classification Summary - May 2015. Collection method: clinical testing. Allele origin: germline.

Baylor Genetics
Classification: Pathogenic for Galactosylceramide beta-galactosidase deficiency. Review status: criteria provided, single submitter. Criteria: ACMG Guidelines, 2015. Collection method: clinical testing. Allele origin: germline.

Juno Genomics, Hangzhou Juno Genomics, Inc
Classification: Pathogenic for Galactosylceramide beta-galactosidase deficiency. Review status: criteria provided, single submitter. Criteria: ACMG Guidelines, 2015. Collection method: clinical testing. Allele origin: germline.
Comment: Absent from controls (or at extremely low frequency if recessive) in Genome Aggregation Database.;Well-established in vitro or in vivo functional studies supportive of a damaging effect on the gene or gene product.;For recessive disorders, detected in trans with a pathogenic variant.;Patient's phenotype or family history is highly specific for a disease with a single genetic etiology.;Co-segregation with disease in multiple affected family members.

PreventionGenetics, part of Exact Sciences
Classification: Pathogenic for GALC-related condition. Last evaluated: 2024-03-26. Review status: no assertion criteria provided. Collection method: clinical testing. Allele origin: germline. Not counted in ClinVar's aggregate classification.
Comment: The GALC c.1586C>T variant is predicted to result in the amino acid substitution p.Thr529Met. This variant was reported in the homozygous and compound heterozygous state in multiple individuals with Krabbe disease (Xie et al. 2019. PubMed ID: 31885218; Table S2, Dong et al. 2020. PubMed ID: 32005694; Adam et al. 1993. PubMed ID: 20301416; Tappino et al. 2010. PubMed ID: 20886637; reported as p.Thr513Met in Wenger et al. 1997. PubMed ID: 9338580). This variant is reported in 0.019% of alleles in individuals of European (Non-Finnish) descent in gnomAD. This variant is interpreted as pathogenic.

Clinical Genetics DNA and cytogenetics Diagnostics Lab, Erasmus MC, Erasmus Medical Center
Classification: Pathogenic. Review status: no assertion criteria provided. Collection method: clinical testing. Allele origin: germline. Affected: yes. Study: VKGL Data-share Consensus. Not counted in ClinVar's aggregate classification.

GeneReviews
No classification provided. Condition: Galactosylceramide beta-galactosidase deficiency. Review status: no classification provided. Collection method: literature only. Allele origin: germline. Not counted in ClinVar's aggregate classification.

Joint Genome Diagnostic Labs from Nijmegen and Maastricht, Radboudumc and MUMC+
Classification: Pathogenic. Review status: no assertion criteria provided. Collection method: clinical testing. Allele origin: germline. Affected: yes. Study: VKGL Data-share Consensus. Not counted in ClinVar's aggregate classification.

Literature cited by the submitters: PubMed 9266397 (cited by 3 submitters); PubMed 9338580 (cited by 5 submitters); PubMed 20135576 (cited by Labcorp Genetics (formerly Invitae), Labcorp and Variantyx, Inc.); PubMed 20886637 (cited by 4 submitters); PubMed 21824559 (cited by 3 submitters); PubMed 23128445 (cited by 3 submitters); PubMed 23197103 (cited by Labcorp Genetics (formerly Invitae), Labcorp and Myriad Genetics, Inc.); PubMed 26865610 (cited by 3 submitters); PubMed 27126738 (cited by Labcorp Genetics (formerly Invitae), Labcorp and Variantyx, Inc.); PubMed 28598007 (cited by Natera, Inc.); PubMed 31240153 (cited by Dasa); PubMed 32973651 (cited by Dasa and Variantyx, Inc.); PubMed 30777126 (cited by Dasa); PubMed 31885218 (cited by Variantyx, Inc.).